The following is an entry in ClinVar:

ClinVar aggregate classification (germline): Uncertain significance. Review status: criteria provided, single submitter (1 of 4 stars). 2 submissions from 2 submitters: Uncertain significance (1). 1 of the submissions does not count toward it. Last evaluated 2024-10-30.

Conditions:
Methylmalonic aciduria due to methylmalonyl-CoA mutase deficiency (MAMM). Also called: Methylmalonic aciduria, mut type. Identifiers: Orphanet 27, MedGen C1855114, MONDO:0009612, OMIM 251000.

Submissions (2):

Women's Health and Genetics/Laboratory Corporation of America, LabCorp
Classification: Uncertain significance. Last evaluated: 2024-10-30. Review status: criteria provided, single submitter. Criteria: LabCorp Variant Classification Summary - May 2015. Collection method: clinical testing. Allele origin: germline.
Comment: Variant summary: MUT c.1790T>G (p.Ile597Arg) results in a non-conservative amino acid change in the encoded protein sequence. Four of five in-silico tools predict a damaging effect of the variant on protein function. The variant was absent in 251004 control chromosomes (GNOMad). c.1790T>G has been reported in the literature in at least one compound heterozygous individual affected with Methylmalonic Acidemia, who also carried a second pathogenic variant (Han_2015, Han_2017, Yu_2021, Liang_2023). These data do not allow clear conclusions about variant significance. At least one publication reported experimental evidence evaluating an impact on protein function and demonstrated that the variant did not affect protein expression, but decreased its activity, resulting in about 20% of normal (Han_2017). The following publications have been ascertained in the context of this evaluation (PMID: 26454439, 28101778, 34668645, 37316190). ClinVar contains an entry for this variant (Variation ID: 551764). Based on the evidence outlined above, the variant was classified as VUS-possibly pathogenic.

Counsyl
Classification: Uncertain significance for Methylmalonic aciduria due to methylmalonyl-CoA mutase deficiency. Last evaluated: 2017-05-15. Review status: no assertion criteria provided. Collection method: clinical testing. Allele origin: unknown. Not counted in ClinVar's aggregate classification.

Literature cited by the submitters: PubMed 34668645 (cited by Women's Health and Genetics/Laboratory Corporation of America, LabCorp); PubMed 26454439 (cited by Women's Health and Genetics/Laboratory Corporation of America, LabCorp and Counsyl); PubMed 28101778 (cited by Women's Health and Genetics/Laboratory Corporation of America, LabCorp and Counsyl); PubMed 37316190 (cited by Women's Health and Genetics/Laboratory Corporation of America, LabCorp).

NM_000255.4(MMUT):c.1790T>G (p.Ile597Arg)

Gene: MMUT (methylmalonyl-CoA mutase; minus strand). Cytogenetic location: 6p12.3.
Variant type: single nucleotide variant.
Coding change: c.1790T>G on transcript NM_000255.4 (MANE Select); coding-DNA position 1790, T replaced by G.
Protein change: p.Ile597Arg; replaces isoleucine 597 with arginine.
Molecular consequence: missense variant.
Genome position (GRCh38, 1-based): chr6:49,441,858, A>C on the plus strand (T>G on the coding strand, the complement: MMUT is on the minus strand). VCF-style: chr6-49441858-A-C. GRCh37 (hg19) VCF-style: chr6-49409571-A-C.
Other names: short protein forms I597R.
Identifiers: ClinVar variation 551764 (VCV000551764.3), dbSNP rs1554158951, ClinGen allele CA364395663.